The following is an entry in ClinVar:

ClinVar aggregate classification (germline): Uncertain significance. Review status: criteria provided, multiple submitters, no conflicts (2 of 4 stars). 3 submissions from 3 submitters: Uncertain significance (2). 1 of the submissions does not count toward it. Last evaluated 2023-02-24.

Conditions:
Nemaline myopathy 2 (NEM2). Also called: Nemaline myopathy 2, autosomal recessive. Identifiers: MedGen C1850569, MONDO:0009725, OMIM 256030.

Submissions (3):

GeneDx
Classification: Uncertain significance. Last evaluated: 2023-02-24. Review status: criteria provided, single submitter. Criteria: GeneDx Variant Classification Process June 2021. Collection method: clinical testing. Allele origin: germline. Affected: yes.
Comment: Not observed at significant frequency in large population cohorts (gnomAD); In-frame deletion of 1 amino acid in a non-repeat region; In silico analysis supports a deleterious effect on protein structure/function; Has not been previously published as pathogenic or benign to our knowledge

Blueprint Genetics
Classification: Uncertain significance. Last evaluated: 2020-11-11. Review status: criteria provided, single submitter. Criteria: ACMG Guidelines, 2015. Collection method: clinical testing. Allele origin: germline.

Counsyl
Classification: Uncertain significance for Nemaline myopathy 2. Last evaluated: 2017-05-19. Review status: no assertion criteria provided. Collection method: clinical testing. Allele origin: unknown. Not counted in ClinVar's aggregate classification.

NM_001164508.2(NEB):c.24954GAA[1] (p.Lys8319del)

Genes: NEB (nebulin; minus strand), RIF1 (replication timing regulatory factor 1; plus strand). Cytogenetic location: 2q23.3.
Variant type: Microsatellite.
Coding change: c.24954GAA[1] on transcript NM_001164508.2 (MANE Select); one copy of the 3-base unit GAA starting at c.24954; the reference has two copies in a row; one copy, 3 bases deleted.
Protein change: p.Lys8319del; deletes lysine 8319.
Molecular consequence: inframe deletion.
Genome position (GRCh38, 1-based): chr2:151,492,196-151,492,198, TTC deleted on the plus strand (GAA on the coding strand, the reverse complement: NEB is on the minus strand); deleting any 3 consecutive bases within chr2:151,492,196-151,492,203 gives the same sequence; the position shown is the placement nearest the transcript's 3' end. VCF-style (leftmost placement, unchanged base first): chr2-151492195-GTTC-G. GRCh37 (hg19) VCF-style: chr2-152348709-GTTC-G.
Other names: c.25062_25064del (NM_001271208.1); c.24954GAA[1], p.Lys8319del (NM_001164507.2); c.25059GAA[1], p.Lys8354del (NM_001271208.2); c.19386GAA[1], p.Lys6463del (NM_004543.5); c.25062_25064delGAA (NM_001271208.1); short protein forms K8354del, K6463del, K8319del.
Identifiers: ClinVar variation 552073 (VCV000552073.4), dbSNP rs755822172, ClinGen allele CA1905859.
Genomic context (GRCh38, chr2:151,492,195, plus strand): 5'-TTCCATTTCTACCACTTTCCTCTGAATACCTCGGTAGTTAATGTCACTGAAGTCCTGCAT[GTTC>G]TTCTTTACTCGTTCAGTGATAGGATCTGTCACCACTGGTGTGAAGCAACCCTTGTGTTTC-3'